The following is an entry in ClinVar:

NM_003919.3(SGCE):c.495_498del (p.Phe165fs)

Genes: CASD1 (CAS1 domain sialic acid O acetyltransferase 1; plus strand), SGCE (sarcoglycan epsilon; minus strand). Cytogenetic location: 7q21.3.
Variant type: Deletion.
Coding change: c.495_498del on transcript NM_003919.3 (MANE Select); coding-DNA positions 495 to 498, 4 bases deleted (CATT; older notation c.495_498delCATT).
Protein change: p.Phe165fs; shifts the reading frame from phenylalanine 165.
Molecular consequence: frameshift variant.
Genome position (GRCh38, 1-based): chr7:94,618,922-94,618,925, AATG deleted on the plus strand (CATT on the coding strand, the reverse complement: SGCE is on the minus strand); deleting any 4 consecutive bases within chr7:94,618,922-94,618,927 gives the same sequence; the c. name uses the placement nearest the transcript's 3' end. VCF-style (leftmost placement, unchanged base first): chr7-94618921-TAATG-T. GRCh37 (hg19) VCF-style: chr7-94248233-TAATG-T.
Other names: c.495_498del, p.Phe165fs (NM_001099400.2, NM_001099401.2, NM_001346717.2); c.372_375del, p.Phe124fs (NM_001301139.2, NM_001362809.2); c.603_606del, p.Phe201fs (NM_001346713.2, NM_001346715.2); c.408_411del, p.Phe136fs (NM_001346719.2, NM_001362807.2); c.222_225del, p.Phe74fs (NM_001346720.2, NM_001362808.2); short protein forms F165fs, F124fs, F136fs, F201fs, F74fs.
Identifiers: ClinVar variation 1452174 (VCV001452174.6), dbSNP rs2116882526, ClinGen allele CA2573142502.
Genomic context (GRCh38, chr7:94,618,921, plus strand): 5'-CTGCGCCAAGAAAGTCTCCAAGAACCTCACTGGCCAACATTTCTTCTACATTCATATTCT[TAATG>T]AAGAATTCTGCTTGATATGGCAACGGGAAGTCTAATTTTGGTGAAAAAGGGCATGCATAT-3'

ClinVar aggregate classification (germline): Pathogenic (1 of 4 stars; one submission).

Conditions:
Myoclonic dystonia 11 (DYT11). Also called: Myoclonic dystonia; Dystonia 11; Dystonia, alcohol responsive; Hereditary essential myoclonus; SGCE Myoclonus-Dystonia; Myoclonus-Dystonia. Identifiers: Orphanet 36899, MedGen C1834570, MONDO:0008044, OMIM 159900.

Submission:

Labcorp Genetics (formerly Invitae), Labcorp
Classification: Pathogenic for Myoclonic dystonia 11. Last evaluated: 2022-04-01. Review status: criteria provided, single submitter. Criteria: Invitae Variant Classification Sherloc (09022015). Collection method: clinical testing. Allele origin: germline.
Comment: For these reasons, this variant has been classified as Pathogenic. This sequence change creates a premature translational stop signal (p.Phe165Leufs*4) in the SGCE gene. It is expected to result in an absent or disrupted protein product. Loss-of-function variants in SGCE are known to be pathogenic (PMID: 12821748, 15389977, 17853490, 24297365). This variant is not present in population databases (gnomAD no frequency). This variant has not been reported in the literature in individuals affected with SGCE-related conditions. Algorithms developed to predict the effect of sequence changes on RNA splicing suggest that this variant may disrupt the consensus splice site.

Literature cited by the submitters: PubMed 12821748; PubMed 15389977; PubMed 17853490; PubMed 24297365.